The following is an entry in ClinVar:

NM_006031.6(PCNT):c.3375G>A (p.Val1125=)

Gene: PCNT (pericentrin; plus strand). Cytogenetic location: 21q22.3.
Variant type: single nucleotide variant.
Coding change: c.3375G>A on transcript NM_006031.6 (MANE Select); coding-DNA position 3375, G replaced by A.
Protein change: p.Val1125=; no amino-acid change (valine 1125 retained).
Molecular consequence: synonymous variant.
Genome position (GRCh38, 1-based): chr21:46,385,894, G>A. VCF-style: chr21-46385894-G-A. GRCh37 (hg19) VCF-style: chr21-47805809-G-A.
Other names: c.3021G>A, p.Val1007= (NM_001315529.2); c.3375G>A (NM_006031.5).
Identifiers: ClinVar variation 2784081 (VCV002784081.4), dbSNP rs1388165697, ClinGen allele CA512737069.

ClinVar aggregate classification (germline): Likely benign. Review status: criteria provided, single submitter (1 of 4 stars). 2 submissions from 2 submitters: Likely benign (1). 1 of the submissions does not count toward it. Last evaluated 2023-07-25.

Conditions:
PCNT-related disorder. Also called: PCNT-related condition.

Allele frequency attached by ClinVar (database versions not stated): TOPMed below 0.00001; gnomAD exomes 0.00002.
gnomAD v4.1: 35 of 1,614,224 alleles (0.0022%); highest among the groups gnomAD compares: Non-Finnish European, 0.0029%; no homozygotes.

Submissions (2):

Labcorp Genetics (formerly Invitae), Labcorp
Classification: Likely benign. Last evaluated: 2023-07-25. Review status: criteria provided, single submitter. Criteria: Invitae Variant Classification Sherloc (09022015). Collection method: clinical testing. Allele origin: germline.

PreventionGenetics, part of Exact Sciences
Classification: Likely benign for PCNT-related condition. Last evaluated: 2024-05-08. Review status: no assertion criteria provided. Collection method: clinical testing. Allele origin: germline. Not counted in ClinVar's aggregate classification.
Comment: This variant is classified as likely benign based on ACMG/AMP sequence variant interpretation guidelines (Richards et al. 2015 PMID: 25741868, with internal and published modifications).